The following is an entry in ClinVar:

ClinVar aggregate classification (germline): not provided. Review status: no classification provided (0 of 4 stars). 3 submissions from 1 submitter: not provided (3).

Conditions:
Normal pregnancy. Identifiers: MedGen C0232989.
Large for gestational age. Identifiers: MedGen C1848395, HP:0001520.
Preeclampsia. Identifiers: Orphanet 275555, MedGen C0032914, MONDO:0005081, HP:0100602.

Submissions (3):

Institute of Molecular and Cell Biology, University of Tartu
No classification provided. Condition: Normal pregnancy. Review status: no classification provided. Collection method: case-control. Allele origin: unknown. Affected: yes. Study: Kasak2014.
Comment: The study aimed to determine the contribution of copy number variants in the genetic etiology of normal and complicated pregnancies. The samples represented (i) maternal blood DNA drawn from healthy pregnant women during 1st or 2nd trimester and (ii) maternal and paternal blood DNA drawn at term pregnancy cases representing normal and complicated gestations (severe preeclampsia, PE; gestational diabetes, GD; small-for-gestational age newborn, SGA; large-for-gestational age newborn, LGA). We performed CNV calling based on genome-wide genotyping dataset (Illumina HumanOmniExpress-24-v1 BeadChip) by applying three algorithms, QuantiSNP, GADA (Genome Alteration Detection Algorithm) and CNstream in parallel. The acquired CNV calls were merged with HD-CNV (Hotspot Detector for Copy Number Variants) program and only the CNVs predicted by at least two programs, were considered in subsequent analysis.

Institute of Molecular and Cell Biology, University of Tartu
No classification provided. Condition: Large for gestational age. Review status: no classification provided. Collection method: case-control. Allele origin: unknown. Affected: yes. Study: Kasak2014.
Comment: the same text as in the submission from Institute of Molecular and Cell Biology, University of Tartu above.

Institute of Molecular and Cell Biology, University of Tartu
No classification provided. Condition: Preeclampsia. Review status: no classification provided. Collection method: case-control. Allele origin: unknown. Affected: yes. Study: Kasak2014.
Comment: the same text as in the submission from Institute of Molecular and Cell Biology, University of Tartu above.

Literature cited by the submitters: PubMed 25666259.

Single allele

Variant type: Deletion.
Identifiers: ClinVar variation 156797 (VCV000156797.2).